The following is an entry in ClinVar:

ClinVar aggregate classification (germline): Benign/Likely benign. Review status: criteria provided, multiple submitters, no conflicts (2 of 4 stars). 3 submissions from 3 submitters: Benign (1); Likely benign (2). Last evaluated 2025-09-03.

Conditions:
IFT81-related disorder. Also called: IFT81-related condition.

Allele frequency attached by ClinVar (database versions not stated): gnomAD 0.00001 and 0.00011; TOPMed 0.00003; gnomAD exomes 0.00016 and 0.00036; ExAC 0.00036; 1000 Genomes Project 30x 0.00094; 1000 Genomes Project 0.00100.
gnomAD v4.1: 245 of 1,591,966 alleles (0.015%); highest among the groups gnomAD compares: South Asian, 0.25%; 2 homozygotes.

Submissions (3):

Labcorp Genetics (formerly Invitae), Labcorp
Classification: Likely benign. Last evaluated: 2025-09-03. Review status: criteria provided, single submitter. Criteria: Invitae Variant Classification Sherloc (09022015). Collection method: clinical testing. Allele origin: germline.

PreventionGenetics, part of Exact Sciences
Classification: Likely benign for IFT81-related condition. Last evaluated: 2024-12-30. Review status: criteria provided, single submitter. Criteria: ACMG Guidelines, 2015. Collection method: clinical testing. Allele origin: germline.
Comment: This variant is classified as likely benign based on ACMG/AMP sequence variant interpretation guidelines (Richards et al. 2015 PMID: 25741868, with internal and published modifications).

Blueprint Genetics
Classification: Benign. Last evaluated: 2024-03-08. Review status: criteria provided, single submitter. Criteria: ACMG Guidelines, 2015. Collection method: clinical testing. Allele origin: germline.

NM_014055.4(IFT81):c.422A>G (p.Asn141Ser)

Gene: IFT81 (intraflagellar transport 81; plus strand). Cytogenetic location: 12q24.11.
Variant type: single nucleotide variant.
Coding change: c.422A>G on transcript NM_014055.4 (MANE Select); coding-DNA position 422, A replaced by G.
Protein change: p.Asn141Ser; replaces asparagine 141 with serine.
Molecular consequence: missense variant. On other transcripts: 5 prime UTR variant (2), non-coding transcript variant (4).
Genome position (GRCh38, 1-based): chr12:110,129,123, A>G. VCF-style: chr12-110129123-A-G. GRCh37 (hg19) VCF-style: chr12-110566928-A-G.
Other names: c.422A>G, p.Asn141Ser (NM_001143779.2, NM_001347946.2, NM_031473.4); c.-345A>G (NM_001347947.2, NM_001347948.2); c.422A>G (NM_014055.3); short protein forms N141S.
Identifiers: ClinVar variation 1159876 (VCV001159876.11), dbSNP rs569507958, ClinGen allele CA6783068.
Genomic context (GRCh38, chr12:110,129,123, plus strand): 5'-TTTTAATAAAACTTGAGGTACCAAGTGAGTTTCTTCAGGATGAAACTGTGGCTGACACCA[A>G]TAAACAGGTAAACAATACATAAATGGTACATTGAAACTGTAATGGATTTCAAGGTGTATA-3'
Protein context (NP_054774.2, residues 131-151): FLQDETVADT[Asn141Ser]KQYEELMEAF